The following is an entry in ClinVar:

ClinVar aggregate classification (germline): Likely benign. Review status: criteria provided, multiple submitters, no conflicts (2 of 4 stars). 2 submissions from 2 submitters: Likely benign (2). Last evaluated 2025-11-18.

Conditions:
Myofibrillar myopathy 6. Identifiers: Orphanet 199340, MedGen C2751831, MONDO:0013061, OMIM 612954.
Dilated cardiomyopathy 1HH (CMD1HH). Identifiers: Orphanet 154, MedGen C3151293, MONDO:0013479, OMIM 613881.

Allele frequency attached by ClinVar (database versions not stated): gnomAD exomes 0.00001 and 0.00005; TOPMed 0.00002; ExAC 0.00004.
gnomAD v4.1: 12 of 1,613,838 alleles (0.00074%); highest among the groups gnomAD compares: East Asian, 0.018%; no homozygotes.

Submissions (2):

Labcorp Genetics (formerly Invitae), Labcorp
Classification: Likely benign for Dilated cardiomyopathy 1HH; Myofibrillar myopathy 6. Last evaluated: 2025-11-18. Review status: criteria provided, single submitter. Criteria: Invitae Variant Classification Sherloc (09022015). Collection method: clinical testing. Allele origin: germline.

GeneDx
Classification: Likely benign. Last evaluated: 2017-06-02. Review status: criteria provided, single submitter. Criteria: GeneDx Variant Classification (06012015). Collection method: clinical testing. Allele origin: germline. Affected: yes.
Comment: This variant is considered likely benign or benign based on one or more of the following criteria: it is a conservative change, it occurs at a poorly conserved position in the protein, it is predicted to be benign by multiple in silico algorithms, and/or has population frequency not consistent with disease.

NM_004281.4(BAG3):c.181-10T>C

Gene: BAG3 (BAG cochaperone 3; plus strand). Cytogenetic location: 10q26.11.
Variant type: single nucleotide variant.
Coding change: c.181-10T>C on transcript NM_004281.4 (MANE Select); 10 bases into the intron before coding-DNA position 181, T replaced by C.
Molecular consequence: intron variant.
Genome position (GRCh38, 1-based): chr10:119,669,841, T>C. VCF-style: chr10-119669841-T-C. GRCh37 (hg19) VCF-style: chr10-121429353-T-C.
Identifiers: ClinVar variation 509724 (VCV000509724.8), dbSNP rs765292614, ClinGen allele CA5716257.